The following is an entry in ClinVar:

ClinVar aggregate classification (germline): Uncertain significance (0 of 4 stars; one submission).

Conditions:
RERE-related disorder. Also called: RERE-Related Disorders; RERE-related condition. Identifiers: MedGen CN381537.

Submission:

PreventionGenetics, part of Exact Sciences
Classification: Uncertain significance for RERE-related condition. Last evaluated: 2024-07-28. Review status: no assertion criteria provided. Collection method: clinical testing. Allele origin: germline.
Comment: The RERE c.3245G>T variant is predicted to result in the amino acid substitution p.Gly1082Val. To our knowledge, this variant has not been reported in the literature or in a large population database, indicating this variant is rare. At this time, the clinical significance of this variant is uncertain due to the absence of conclusive functional and genetic evidence.

NM_001042681.2(RERE):c.3245G>T (p.Gly1082Val)

Gene: RERE (arginine-glutamic acid dipeptide repeats; minus strand). Cytogenetic location: 1p36.23.
Variant type: single nucleotide variant.
Coding change: c.3245G>T on transcript NM_001042681.2 (MANE Select); coding-DNA position 3245, G replaced by T.
Protein change: p.Gly1082Val; replaces glycine 1082 with valine.
Molecular consequence: missense variant.
Genome position (GRCh38, 1-based): chr1:8,360,262, C>A on the plus strand (G>T on the coding strand, the complement: RERE is on the minus strand). VCF-style: chr1-8360262-C-A. GRCh37 (hg19) VCF-style: chr1-8420322-C-A.
Other names: c.1583G>T, p.Gly528Val (NM_001042682.2); c.3245G>T, p.Gly1082Val (NM_012102.4); short protein forms G1082V, G528V.
Identifiers: ClinVar variation 3345947 (VCV003345947.1).